The following is an entry in ClinVar:

ClinVar aggregate classification (germline): Uncertain significance. Review status: criteria provided, multiple submitters, no conflicts (2 of 4 stars). 6 submissions from 6 submitters: Uncertain significance (6). Last evaluated 2025-11-06.

Conditions:
Cardiovascular phenotype. Identifiers: MedGen CN230736.
Catecholaminergic polymorphic ventricular tachycardia (CVPT). Also called: Catecholamine-induced polymorphic ventricular tachycardia. Identifiers: Orphanet 3286, MedGen C5574922, MONDO:0017990.
Cardiomyopathy (CMYO). Also called: Cardiomyopathies. Identifiers: Orphanet 167848, MedGen C0878544, MONDO:0004994, HP:0001638. Inheritance: Various modes of inheritance.
Catecholaminergic polymorphic ventricular tachycardia 1. Also called: RYR2-Related Catecholaminergic Polymorphic Ventricular Tachycardia; VENTRICULAR TACHYCARDIA, CATECHOLAMINERGIC POLYMORPHIC, 1, WITH OR WITHOUT ATRIAL DYSFUNCTION AND/OR DILATED CARDIOMYOPATHY; VENTRICULAR TACHYCARDIA, STRESS-INDUCED POLYMORPHIC 1. Identifiers: Orphanet 3286, MedGen C1631597, MONDO:0011484, OMIM 604772.

Allele frequency attached by ClinVar (database versions not stated): ExAC 0.00002; gnomAD exomes 0.00002; gnomAD 0.00004 and 0.00005; TOPMed 0.00007.
gnomAD v4.1: 32 of 1,603,508 alleles (0.002%); highest among the groups gnomAD compares: Admixed American, 0.0085%; no homozygotes.

Submissions (6):

Labcorp Genetics (formerly Invitae), Labcorp
Classification: Uncertain significance for Catecholaminergic polymorphic ventricular tachycardia 1. Last evaluated: 2025-11-06. Review status: criteria provided, single submitter. Criteria: Invitae Variant Classification Sherloc (09022015). Collection method: clinical testing. Allele origin: germline.
Comment: This sequence change replaces arginine, which is basic and polar, with glutamine, which is neutral and polar, at codon 3084 of the RYR2 protein (p.Arg3084Gln). The frequency data for this variant in the population databases is considered unreliable, as metrics indicate poor data quality at this position in the gnomAD database. This variant has not been reported in the literature in individuals affected with RYR2-related conditions. ClinVar contains an entry for this variant (Variation ID: 518852). Invitae Evidence Modeling of protein sequence and biophysical properties (such as structural, functional, and spatial information, amino acid conservation, physicochemical variation, residue mobility, and thermodynamic stability) indicates that this missense variant is expected to disrupt RYR2 protein function with a positive predictive value of 95%. In summary, the available evidence is currently insufficient to determine the role of this variant in disease. Therefore, it has been classified as a Variant of Uncertain Significance.

Ambry Genetics
Classification: Uncertain significance for Cardiovascular phenotype. Last evaluated: 2025-04-18. Review status: criteria provided, single submitter. Criteria: Ambry Variant Classification Scheme 2023. Collection method: clinical testing. Allele origin: germline.
Comment: The p.R3084Q variant (also known as c.9251G>A), located in coding exon 65 of the RYR2 gene, results from a G to A substitution at nucleotide position 9251. The arginine at codon 3084 is replaced by glutamine, an amino acid with highly similar properties. This amino acid position is highly conserved in available vertebrate species. In addition, this alteration is predicted to be deleterious by in silico analysis. Since supporting evidence is limited at this time, the clinical significance of this alteration remains unclear.

All of Us Research Program, National Institutes of Health
Classification: Uncertain significance for Catecholaminergic polymorphic ventricular tachycardia. Last evaluated: 2024-07-10. Review status: criteria provided, single submitter. Criteria: ACMG Guidelines, 2015. Collection method: clinical testing. Allele origin: germline. Inheritance: Autosomal dominant inheritance. Observed: 6 variant alleles, 6 heterozygotes.
Comment: This missense variant replaces arginine with glutamine at codon 3084 of the RYR2 protein. Computational prediction suggests that this variant may have deleterious impact on protein structure and function (internally defined REVEL score threshold >= 0.7, PMID: 27666373). To our knowledge, functional studies have not been reported for this variant. This variant has not been reported in individuals affected with RYR2-related disorders in the literature. This variant has been identified in 5/232806 chromosomes in the general population by the Genome Aggregation Database (gnomAD). The available evidence is insufficient to determine the role of this variant in disease conclusively. Therefore, this variant is classified as a Variant of Uncertain Significance.

This study involves interpretation of variants in research participants for the purpose of population health screening. Participant phenotype was not available at the time of variant classification. Additional details can be found in publication PMID: 35346344, PMCID: PMC8962531

Color Diagnostics, LLC DBA Color Health
Classification: Uncertain significance for Cardiomyopathy. Last evaluated: 2024-03-06. Review status: criteria provided, single submitter. Criteria: ACMG Guidelines, 2015. Collection method: clinical testing. Allele origin: germline.
Comment: This missense variant replaces arginine with glutamine at codon 3084 of the RYR2 protein. Computational prediction suggests that this variant may have deleterious impact on protein structure and function (internally defined REVEL score threshold >= 0.7, PMID: 27666373). To our knowledge, functional studies have not been reported for this variant. This variant has not been reported in individuals affected with RYR2-related disorders in the literature. This variant has been identified in 5/232806 chromosomes in the general population by the Genome Aggregation Database (gnomAD). The available evidence is insufficient to determine the role of this variant in disease conclusively. Therefore, this variant is classified as a Variant of Uncertain Significance.

GeneDx
Classification: Uncertain significance. Last evaluated: 2023-08-31. Review status: criteria provided, single submitter. Criteria: GeneDx Variant Classification Process June 2021. Collection method: clinical testing. Allele origin: germline. Affected: yes.
Comment: Not located in one of the three hot-spot regions of the RYR2 gene, where the majority of pathogenic missense variants occur (PMID: 19926015); In silico analysis supports that this missense variant has a deleterious effect on protein structure/function; This variant is associated with the following publications: (PMID: 32826072, 19926015)

Laboratory for Molecular Medicine, Mass General Brigham Personalized Medicine
Classification: Uncertain significance. Last evaluated: 2019-04-17. Review status: criteria provided, single submitter. Criteria: LMM Criteria. Collection method: clinical testing. Allele origin: germline. Observed: 2 variant alleles.
Comment: The p.Arg3084Gln variant in RYR2 has not been previously reported in individuals with CPVT or ARVC but has been identified in 5/232806 chromosomes by gnomAD. This variant has also been reported in ClinVar (Variation ID 518852). Computational prediction tools and conservation analysis suggest that this variant may impact the protein, though this information is not predictive enough to determine pathogenicity. In summary, the clinical significance of this variant is uncertain. ACMG/AMP Criteria applied: PP3.

NM_001035.3(RYR2):c.9251G>A (p.Arg3084Gln)

Gene: RYR2 (ryanodine receptor 2; plus strand). Cytogenetic location: 1q43.
Variant type: single nucleotide variant.
Coding change: c.9251G>A on transcript NM_001035.3 (MANE Select); coding-DNA position 9251, G replaced by A.
Protein change: p.Arg3084Gln; replaces arginine 3084 with glutamine.
Molecular consequence: missense variant.
Genome position (GRCh38, 1-based): chr1:237,700,351, G>A. VCF-style: chr1-237700351-G-A. GRCh37 (hg19) VCF-style: chr1-237863651-G-A.
Other names: c.9251G>A, p.Arg3084Gln (LRG_402t1); short protein forms R3084Q.
Identifiers: ClinVar variation 518852 (VCV000518852.28), dbSNP rs747605864, ClinGen allele CA087850.